The following is an entry in ClinVar:

NM_003628.6(PKP4):c.220G>A (p.Glu74Lys)

Gene: PKP4 (plakophilin 4; plus strand). Cytogenetic location: 2q24.1.
Variant type: single nucleotide variant.
Coding change: c.220G>A on transcript NM_003628.6 (MANE Select); coding-DNA position 220, G replaced by A.
Protein change: p.Glu74Lys; replaces glutamic acid 74 with lysine.
Molecular consequence: missense variant. On other transcripts: 5 prime UTR variant (1).
Genome position (GRCh38, 1-based): chr2:158,577,358, G>A. VCF-style: chr2-158577358-G-A. GRCh37 (hg19) VCF-style: chr2-159433870-G-A.
Other names: c.220G>A, p.Glu74Lys (NM_001005476.4, NM_001304969.3, NM_001304971.2 and 9 more transcripts); c.-730G>A (NM_001304970.3); short protein forms E74K.
Identifiers: ClinVar variation 3307135 (VCV003307135.1).

ClinVar aggregate classification (germline): Uncertain significance (1 of 4 stars; one submission).

Submission:

Ambry Genetics
Classification: Uncertain significance. Last evaluated: 2024-05-12. Review status: criteria provided, single submitter. Criteria: Ambry Variant Classification Scheme 2023. Collection method: clinical testing. Allele origin: germline.
Comment: The p.E74K variant (also known as c.220G>A), located in coding exon 2 of the PKP4 gene, results from a G to A substitution at nucleotide position 220. The glutamic acid at codon 74 is replaced by lysine, an amino acid with similar properties. This amino acid position is conserved. In addition, the in silico prediction for this alteration is inconclusive. Based on the available evidence, the clinical significance of this variant remains unclear.